The following is an entry in ClinVar:

NM_000465.4(BARD1):c.1811-15T>C

Gene: BARD1 (BRCA1 associated RING domain 1; minus strand). Cytogenetic location: 2q35.
Variant type: single nucleotide variant.
Coding change: c.1811-15T>C on transcript NM_000465.4 (MANE Select); 15 bases into the intron before coding-DNA position 1811, T replaced by C.
Molecular consequence: intron variant.
Genome position (GRCh38, 1-based): chr2:214,745,174, A>G on the plus strand (T>C on the coding strand, the complement: BARD1 is on the minus strand). VCF-style: chr2-214745174-A-G. GRCh37 (hg19) VCF-style: chr2-215609898-A-G.
Other names: c.401-15T>C (NM_001282548.2); c.1754-15T>C (NM_001282543.2); c.458-15T>C (NM_001282545.2); c.365-14666T>C (NM_001282549.2).
Identifiers: ClinVar variation 3378517 (VCV003378517.1).

ClinVar aggregate classification (germline): Likely benign (1 of 4 stars; one submission).

Conditions:
Familial cancer of breast. Also called: hereditary breast carcinoma; Hereditary breast cancer; BREAST CANCER, FAMILIAL. Identifiers: Orphanet 227535, MedGen C0346153, MONDO:0016419, OMIM 114480. Disease mechanism: loss of function.

gnomAD v4.1: 1 of 1,605,442 alleles (0.000062%); highest among the groups gnomAD compares: Non-Finnish European, 0.000085%; no homozygotes.

Submission:

Myriad Genetics, Inc.
Classification: Likely benign for Familial cancer of breast. Last evaluated: 2024-07-26. Review status: criteria provided, single submitter. Criteria: Myriad Autosomal Dominant, Autosomal Recessive and X-Linked Classification Criteria (2023). Collection method: clinical testing. Allele origin: unknown.
Comment: This variant is considered likely benign. This variant is intronic and is not expected to impact mRNA splicing.